The following is an entry in ClinVar:

NM_001127222.2(CACNA1A):c.3596A>G (p.Glu1199Gly)

Gene: CACNA1A (calcium voltage-gated channel subunit alpha1 A; minus strand). Cytogenetic location: 19p13.13.
Variant type: single nucleotide variant.
Coding change: c.3596A>G on transcript NM_001127222.2 (MANE Select); coding-DNA position 3596, A replaced by G.
Protein change: p.Glu1199Gly; replaces glutamic acid 1199 with glycine.
Molecular consequence: missense variant.
Genome position (GRCh38, 1-based): chr19:13,285,164, T>C on the plus strand (A>G on the coding strand, the complement: CACNA1A is on the minus strand). VCF-style: chr19-13285164-T-C. GRCh37 (hg19) VCF-style: chr19-13395978-T-C.
Other names: c.3608A>G, p.Glu1203Gly (NM_000068.4, NM_023035.3); c.3599A>G, p.Glu1200Gly (NM_001127221.2, NM_001174080.2); short protein forms E1199G, E1200G, E1203G.
Identifiers: ClinVar variation 2444564 (VCV002444564.2), dbSNP rs369018679, ClinGen allele CA9240261.

ClinVar aggregate classification (germline): Uncertain significance. Review status: criteria provided, multiple submitters, no conflicts (2 of 4 stars). 2 submissions from 2 submitters: Uncertain significance (2). Last evaluated 2024-10-03.

Allele frequency attached by ClinVar (database versions not stated): ExAC 0.00001; gnomAD 0.00001; ESP Exome Variant Server 0.00008.
gnomAD v4.1: 1 of 1,613,786 alleles (0.000062%); highest among the groups gnomAD compares: African/African-American, 0.0013%; no homozygotes.

Submissions (2):

Revvity Omics, Revvity
Classification: Uncertain significance. Last evaluated: 2024-10-03. Review status: criteria provided, single submitter. Criteria: ACMG Guidelines, 2015. Collection method: clinical testing. Allele origin: germline.

GeneDx
Classification: Uncertain significance. Last evaluated: 2022-09-07. Review status: criteria provided, single submitter. Criteria: GeneDx Variant Classification Process June 2021. Collection method: clinical testing. Allele origin: germline. Affected: yes.
Comment: In silico analysis supports that this missense variant has a deleterious effect on protein structure/function; Has not been previously published as pathogenic or benign to our knowledge